The following is an entry in ClinVar:

NM_005751.5(AKAP9):c.961_963del (p.Lys321del)

Gene: AKAP9 (A-kinase anchoring protein 9; plus strand). Cytogenetic location: 7q21.2.
Variant type: Deletion.
Coding change: c.961_963del on transcript NM_005751.5 (MANE Select); coding-DNA positions 961 to 963, 3 bases deleted (AAA; older notation c.961_963delAAA).
Protein change: p.Lys321del; deletes lysine 321.
Molecular consequence: inframe deletion.
Genome position (GRCh38, 1-based): chr7:92,000,878-92,000,880, AAA deleted. VCF-style (leftmost placement, unchanged base first): chr7-92000877-TAAA-T. GRCh37 (hg19) VCF-style: chr7-91630191-TAAA-T.
Other names: c.961_963del, p.Lys321del (NM_147185.3); short protein forms K321del.
Identifiers: ClinVar variation 3619223 (VCV003619223.2).
Genomic context (GRCh38, chr7:92,000,877, plus strand): 5'-CATTCTTACATTTTCATTTTTTTTCCTAAAGGAACAAGATAAAAAAGTAGAAAACTCAAA[TAAA>T]GAAGAAATACAGGAAAAGGAGACAATCATTGAAGAATTAAACACAAAAATAATAGAAGAA-3'

ClinVar aggregate classification (germline): Uncertain significance (1 of 4 stars; one submission).

Conditions:
Long QT syndrome (LQTS). Identifiers: MedGen C0023976, MeSH D008133, MONDO:0002442. Disease mechanism: loss of function. Inheritance: Various modes of inheritance.

Submission:

Labcorp Genetics (formerly Invitae), Labcorp
Classification: Uncertain significance for Long QT syndrome. Last evaluated: 2024-11-26. Review status: criteria provided, single submitter. Criteria: Invitae Variant Classification Sherloc (09022015). Collection method: clinical testing. Allele origin: germline.
Comment: This variant, c.961_963del, results in the deletion of 1 amino acid(s) of the AKAP9 protein (p.Lys321del), but otherwise preserves the integrity of the reading frame. This variant is not present in population databases (gnomAD no frequency). This variant has not been reported in the literature in individuals affected with AKAP9-related conditions. Experimental studies and prediction algorithms are not available or were not evaluated, and the functional significance of this variant is currently unknown. In summary, the available evidence is currently insufficient to determine the role of this variant in disease. Therefore, it has been classified as a Variant of Uncertain Significance.